The following is an entry in ClinVar:

ClinVar aggregate classification (germline): Likely benign (1 of 4 stars; one submission).

gnomAD v4.1: 7,343 of 1,614,014 alleles (0.45%); highest among the groups gnomAD compares: Middle Eastern, 1.5%; 34 homozygotes.

Submission:

CeGaT Center for Human Genetics Tuebingen
Classification: Likely benign. Last evaluated: 2026-02-01. Review status: criteria provided, single submitter. Criteria: CeGaT Center For Human Genetics Tuebingen Variant Classification Criteria Version 2. Collection method: clinical testing. Allele origin: germline. Affected: yes. Observed: 1 variant allele.
Comment: PCDHGB4: BP4, BS2

NM_003736.4(PCDHGB4):c.1393C>T (p.Pro465Ser)

Genes: PCDHG@ (protocadherin gamma cluster; plus strand), PCDHGA1 (protocadherin gamma subfamily A, 1; plus strand), PCDHGA2 (protocadherin gamma subfamily A, 2; plus strand), PCDHGA3 (protocadherin gamma subfamily A, 3; plus strand), PCDHGA4 (protocadherin gamma subfamily A, 4; plus strand) and 7 more. Cytogenetic location: 5q31.3.
Variant type: single nucleotide variant.
Coding change: c.1393C>T on transcript NM_003736.4 (MANE Select); coding-DNA position 1393, C replaced by T.
Protein change: p.Pro465Ser; replaces proline 465 with serine.
Molecular consequence: missense variant. On other transcripts: intron variant (10).
Genome position (GRCh38, 1-based): chr5:141,389,277, C>T. VCF-style: chr5-141389277-C-T. GRCh37 (hg19) VCF-style: chr5-140768844-C-T.
Other names: c.1393C>T, p.Pro465Ser (NM_032098.1); c.2421+56172C>T (NM_018912.3); c.2424+47882C>T (NM_018915.4); c.2424+42820C>T (NM_018916.4); c.2409+36608C>T (NM_018922.3); c.2514+31656C>T (NM_018917.4); c.2421+26721C>T (NM_018923.3); c.2421+22526C>T (NM_018918.3); and 3 more; short protein forms P465S.
Identifiers: ClinVar variation 4820692 (VCV004820692.4).
Genomic context (GRCh38, chr5:141,389,277, plus strand): 5'-GACAACGCTCCGGTTTTCTCACAGTCTTCCTATATAGTCCACGTGGCCGAGAACAACCCG[C>T]CTGGAGCCTCTATTTCACAAGTCAGGGCTTCTGATCCGGACTTGGGGCCCAACGGCCAAG-3'
Protein context (NP_003727.1, residues 455-475): YIVHVAENNP[Pro465Ser]GASISQVRAS